The following is an entry in ClinVar:

ClinVar aggregate classification (germline): Uncertain significance (1 of 4 stars; one submission).

gnomAD v4.1: 1 of 1,424,164 alleles (0.00007%); highest among the groups gnomAD compares: Non-Finnish European, 0.000093%; no homozygotes.

Submission:

GeneDx
Classification: Uncertain significance. Last evaluated: 2026-04-10. Review status: criteria provided, single submitter. Criteria: GeneDx Variant Classification Process June 2021. Collection method: clinical testing. Allele origin: germline.
Comment: Not observed at significant frequency in large population cohorts (gnomAD); In silico analysis supports that this missense variant has a deleterious effect on protein structure/function; Has not been previously published as pathogenic or benign to our knowledge

NM_001854.4(COL11A1):c.4255C>A (p.Gln1419Lys)

Gene: COL11A1 (collagen type XI alpha 1 chain; minus strand). Cytogenetic location: 1p21.1.
Variant type: single nucleotide variant.
Coding change: c.4255C>A on transcript NM_001854.4 (MANE Select); coding-DNA position 4255, C replaced by A.
Protein change: p.Gln1419Lys; replaces glutamine 1419 with lysine.
Molecular consequence: missense variant. On other transcripts: non-coding transcript variant (1).
Genome position (GRCh38, 1-based): chr1:102,898,172, G>T on the plus strand (C>A on the coding strand, the complement: COL11A1 is on the minus strand). VCF-style: chr1-102898172-G-T. GRCh37 (hg19) VCF-style: chr1-103363728-G-T.
Other names: c.4138C>A, p.Gln1380Lys (NM_001190709.2); c.4291C>A, p.Gln1431Lys (NM_080629.3); c.3907C>A, p.Gln1303Lys (NM_080630.4); short protein forms Q1303K, Q1380K, Q1419K, Q1431K.
Identifiers: ClinVar variation 5018235 (VCV005018235.1).